The following is an entry in ClinVar:

NM_002161.6(IARS1):c.3302A>G (p.Glu1101Gly)

Gene: IARS1 (isoleucyl-tRNA synthetase 1; minus strand). Cytogenetic location: 9q22.31.
Variant type: single nucleotide variant.
Coding change: c.3302A>G on transcript NM_002161.6 (MANE Select); coding-DNA position 3302, A replaced by G.
Protein change: p.Glu1101Gly; replaces glutamic acid 1101 with glycine.
Molecular consequence: missense variant. On other transcripts: non-coding transcript variant (1).
Genome position (GRCh38, 1-based): chr9:92,229,108, T>C on the plus strand (A>G on the coding strand, the complement: IARS1 is on the minus strand). VCF-style: chr9-92229108-T-C. GRCh37 (hg19) VCF-style: chr9-94991390-T-C.
Other names: c.3227A>G, p.Glu1076Gly (NM_001374299.1, NM_001374300.1, NM_001378584.1); c.3218A>G, p.Glu1073Gly (NM_001374301.1); c.3365A>G, p.Glu1122Gly (NM_001378569.1); c.3323A>G, p.Glu1108Gly (NM_001378571.1); c.3302A>G, p.Glu1101Gly (NM_001378572.1, NM_001378573.1, NM_001378574.1 and 9 more transcripts); c.3206A>G, p.Glu1069Gly (NM_001378582.1); c.3179A>G, p.Glu1060Gly (NM_001378583.1); short protein forms E1060G, E1069G, E1073G, E1076G, E1101G, E1108G, E1122G.
Identifiers: ClinVar variation 1303811 (VCV001303811.2), dbSNP rs1360035148, ClinGen allele CA373807843.

ClinVar aggregate classification (germline): Uncertain significance (1 of 4 stars; one submission).

Allele frequency attached by ClinVar (database versions not stated): TOPMed below 0.00001; gnomAD exomes below 0.00001.

Submission:

GeneDx
Classification: Uncertain significance. Last evaluated: 2021-01-25. Review status: criteria provided, single submitter. Criteria: GeneDx Variant Classification Process June 2021. Collection method: clinical testing. Allele origin: germline. Affected: yes.
Comment: Not observed at a significant frequency in large population cohorts (Lek et al., 2016); In silico analysis supports that this missense variant has a deleterious effect on protein structure/function; Has not been previously published as pathogenic or benign to our knowledge